The following is an entry in ClinVar:

ClinVar aggregate classification (germline): Conflicting classifications of pathogenicity. Review status: criteria provided, conflicting classifications (1 of 4 stars). 3 submissions from 3 submitters: Uncertain significance (2); Likely benign (1). Last evaluated 2024-03-04.

Conditions:
Hereditary cancer-predisposing syndrome. Also called: Hereditary Cancer Syndrome; Neoplastic Syndromes, Hereditary; Tumor predisposition; Hereditary neoplastic syndrome. Identifiers: Orphanet 140162, MedGen C0027672, MeSH D009386, MONDO:0015356.

Submissions (3):

Women's Health and Genetics/Laboratory Corporation of America, LabCorp
Classification: Uncertain significance. Last evaluated: 2024-03-04. Review status: criteria provided, single submitter. Criteria: LabCorp Variant Classification Summary - May 2015. Collection method: clinical testing. Allele origin: germline.

University of Washington Department of Laboratory Medicine, University of Washington
Classification: Likely benign for Hereditary cancer-predisposing syndrome. Last evaluated: 2023-03-23. Review status: criteria provided, single submitter. Criteria: Dines et al. (Genet Med. 2020). Collection method: curation. Allele origin: germline.
Comment: Missense variant in a coldspot region where missense variants are very unlikely to be pathogenic (PMID:31911673).

BRCA1 coldspot (exon 11 using historical exon numbering). Reclassification based on statistical prior probability

Color Diagnostics, LLC DBA Color Health
Classification: Uncertain significance for Hereditary cancer-predisposing syndrome. Last evaluated: 2019-03-31. Review status: criteria provided, single submitter. Criteria: ACMG Guidelines, 2015. Collection method: clinical testing. Allele origin: germline.

NM_007294.4(BRCA1):c.4071A>T (p.Glu1357Asp)

Genes: BRCA1 (BRCA1 DNA repair associated; minus strand), LOC126862571 (BRD4-independent group 4 enhancer GRCh37_chr17:41243136-41244335; plus strand). Cytogenetic location: 17q21.31.
Variant type: single nucleotide variant.
Coding change: c.4071A>T on transcript NM_007294.4 (MANE Select); coding-DNA position 4071, A replaced by T.
Protein change: p.Glu1357Asp; replaces glutamic acid 1357 with aspartic acid.
Molecular consequence: missense variant. On other transcripts: intron variant (135).
Genome position (GRCh38, 1-based): chr17:43,091,460, T>A on the plus strand (A>T on the coding strand, the complement: BRCA1 is on the minus strand). VCF-style: chr17-43091460-T-A. GRCh37 (hg19) VCF-style: chr17-41243477-T-A.
Other names: c.710-428A>T (NM_001408412.1, NM_001408409.1, NM_001408414.1 and 2 more transcripts); c.452-428A>T (NM_001408509.1, NM_001408508.1); c.662-428A>T (NM_001408446.1, NM_001408435.1, NM_001408448.1 and 6 more transcripts); c.785-428A>T (NM_001408401.1, NM_001408397.1, NM_001408396.1 and 13 more transcripts); c.575-428A>T (NM_001408491.1, NM_001408493.1, NM_001408490.1); c.779-428A>T (NM_001408408.1); c.461-428A>T (NM_001408506.1, NM_001408507.1); c.578-428A>T (NM_001408481.1, NM_001408480.1, NM_001408492.1 and 9 more transcripts); and 41 more; short protein forms E1357D, E1310D, E1354D, E489D, E1189D, E1246D, E1268D, E1286D.
Identifiers: ClinVar variation 489720 (VCV000489720.9), dbSNP rs786201475, ClinGen allele CA10593816.
Genomic context (GRCh38, chr17:43,091,460, plus strand): 5'-AGACTGGGGCAAACACAAAAACCTGGTTCCAATACCTAAGTTTGAATCCATGCTTTGCTC[T>A]TCTTGATTATTTTCTTCCAAGCCCGTTCCTCTTTCTTCATCATCTGAAACCAATTCCTTG-3'
Protein context (NP_009225.1, residues 1347-1367): RGTGLEENNQ[Glu1357Asp]EQSMDSNLGE